The following is an entry in ClinVar:

NM_000475.5(NR0B1):c.382_425dup (p.Gln142fs)

Gene: NR0B1 (nuclear receptor subfamily 0 group B member 1; minus strand). Cytogenetic location: Xp21.2.
Variant type: Duplication.
Coding change: c.382_425dup on transcript NM_000475.5 (MANE Select); coding-DNA positions 382 to 425, 44 bases duplicated.
Protein change: p.Gln142fs; shifts the reading frame from glutamine 142.
Molecular consequence: frameshift variant.
Genome position (GRCh38, 1-based): chrX:30,308,939-30,308,982, 44 bases duplicated; duplicating any 44 consecutive bases within chrX:30,308,939-30,308,986 gives the same sequence; the c. name uses the placement nearest the transcript's 3' end. GRCh37 (hg19): chrX:30,327,060-30,327,103.
Other names: short protein forms Q142fs.
Identifiers: ClinVar variation 2115793 (VCV002115793.4), dbSNP rs2519051723, ClinGen allele CA2580100545.

ClinVar aggregate classification (germline): Pathogenic (1 of 4 stars; one submission).

Conditions:
Congenital adrenal hypoplasia, X-linked (AHC). Also called: Isolated X-Linked Adrenal Hypoplasia Congenita; X-linked AHC; X-Linked Adrenal Hypoplasia Congenita; ADRENAL HYPOPLASIA, CONGENITAL, WITH HYPOGONADOTROPIC HYPOGONADISM. Identifiers: Orphanet 95702, MedGen C0342482, MONDO:0010264, OMIM 300200. Disease mechanism: loss of function.
46,XY sex reversal 2. Also called: NR0B1-Related 46,XY CGD; NR0B1-related 46,XY complete gonadal dysgenesis; Dosage-sensitive sex reversal; 46XY sex reversal 2, dosage-sensitive; 46,XY SEX REVERSAL, DAX1-RELATED. Identifiers: MedGen C1848296, MONDO:0010226, OMIM 300018.

Submission:

Labcorp Genetics (formerly Invitae), Labcorp
Classification: Pathogenic for Congenital adrenal hypoplasia, X-linked; 46,XY sex reversal 2. Last evaluated: 2022-05-16. Review status: criteria provided, single submitter. Criteria: Invitae Variant Classification Sherloc (09022015). Collection method: clinical testing. Allele origin: germline.
Comment: This sequence change creates a premature translational stop signal (p.Gln142Hisfs*137) in the NR0B1 gene. It is expected to result in an absent or disrupted protein product. Loss-of-function variants in NR0B1 are known to be pathogenic (PMID: 7990958, 15841486). For these reasons, this variant has been classified as Pathogenic. This variant has not been reported in the literature in individuals affected with NR0B1-related conditions. This variant is not present in population databases (gnomAD no frequency).

Literature cited by the submitters: PubMed 7990958; PubMed 15841486.